The following is an entry in ClinVar:

NM_017780.4(CHD7):c.7414A>G (p.Thr2472Ala)

Gene: CHD7 (chromodomain helicase DNA binding protein 7; plus strand). Cytogenetic location: 8q12.2.
Variant type: single nucleotide variant.
Coding change: c.7414A>G on transcript NM_017780.4 (MANE Select); coding-DNA position 7414, A replaced by G.
Protein change: p.Thr2472Ala; replaces threonine 2472 with alanine.
Molecular consequence: missense variant. On other transcripts: intron variant (1).
Genome position (GRCh38, 1-based): chr8:60,856,694, A>G. VCF-style: chr8-60856694-A-G. GRCh37 (hg19) VCF-style: chr8-61769253-A-G.
Other names: c.1717-5535A>G (NM_001316690.1); short protein forms T2472A.
Identifiers: ClinVar variation 653575 (VCV000653575.17), dbSNP rs372546969, ClinGen allele CA4760800.
Genomic context (GRCh38, chr8:60,856,694, plus strand): 5'-ACAAGCTCTACCTCAAATTTTTCATCTCTTTCTTCAAAGTTTATCTTGCCTAATGTCTCA[A>G]CACCAGTGTCTGATGCCTTTAAGACTCAAATGGAACTGCTCCAAGCAGGCCTTTCGCGCA-3'
Protein context (NP_060250.2, residues 2462-2482): SSKFILPNVS[Thr2472Ala]PVSDAFKTQM

ClinVar aggregate classification (germline): Conflicting classifications of pathogenicity. Review status: criteria provided, conflicting classifications (1 of 4 stars). 5 submissions from 5 submitters: Uncertain significance (3); Benign (1); Likely benign (1). Last evaluated 2025-10-01.

Conditions:
Hypogonadotropic hypogonadism 5 with or without anosmia (KAL5). Also called: HYPOGONADOTROPIC HYPOGONADISM 5 WITH ANOSMIA; HYPOGONADOTROPHIC HYPOGONADISM 5 WITHOUT ANOSMIA; CHD7-Related GnRH Deficiency (Kallmann Syndrome 5). Identifiers: Orphanet 478, MedGen C3552553, MONDO:0012880, OMIM 612370. Disease mechanism: loss of function.
CHARGE syndrome (CHARGE). Also called: Coloboma, heart anomaly, choanal atresia, retardation, genital and ear anomalies; CHARGE association; Hall-Hittner syndrome; Hittner Hirsch Kreh syndrome; CHARGE ASSOCIATION--COLOBOMA, HEART ANOMALY, CHOANAL ATRESIA, RETARDATION, GENITAL AND EAR ANOMALIES. Identifiers: Orphanet 138, MedGen C0265354, MONDO:0008965.
CHD7-related disorder. Also called: CHD7-related condition.
Inborn genetic diseases. Identifiers: MedGen C0950123, MeSH D030342.

Allele frequency attached by ClinVar (database versions not stated): gnomAD 0.00002; ExAC 0.00003; gnomAD exomes 0.00003; TOPMed 0.00003; ESP Exome Variant Server 0.00017.
gnomAD v4.1: 50 of 1,613,918 alleles (0.0031%); highest among the groups gnomAD compares: Non-Finnish European, 0.0041%; no homozygotes.

Submissions (5):

Labcorp Genetics (formerly Invitae), Labcorp
Classification: Benign for CHARGE syndrome. Last evaluated: 2025-10-01. Review status: criteria provided, single submitter. Criteria: Invitae Variant Classification Sherloc (09022015). Collection method: clinical testing. Allele origin: germline.

PreventionGenetics, part of Exact Sciences
Classification: Likely benign for CHD7-related condition. Last evaluated: 2025-06-01. Review status: criteria provided, single submitter. Criteria: ACMG Guidelines, 2015. Collection method: clinical testing. Allele origin: germline.
Comment: This variant is classified as likely benign based on ACMG/AMP sequence variant interpretation guidelines (Richards et al. 2015 PMID: 25741868, with internal and published modifications).

Fulgent Genetics
Classification: Uncertain significance for CHD7-related CHARGE syndrome; Hypogonadotropic hypogonadism 5 with or without anosmia. Last evaluated: 2024-06-20. Review status: criteria provided, single submitter. Criteria: ACMG Guidelines, 2015. Collection method: clinical testing. Allele origin: germline.

Ambry Genetics
Classification: Uncertain significance for Inborn genetic diseases. Last evaluated: 2019-06-18. Review status: criteria provided, single submitter. Criteria: Ambry Variant Classification Scheme 2023. Collection method: clinical testing. Allele origin: germline.
Comment: The p.T2472A variant (also known as c.7414A>G), located in coding exon 33 of the CHD7 gene, results from an A to G substitution at nucleotide position 7414. The threonine at codon 2472 is replaced by alanine, an amino acid with similar properties. This amino acid position is well conserved in available vertebrate species; however, alanine is the reference amino acid in other vertebrate species. In addition, this alteration is predicted to be tolerated by in silico analysis. Since supporting evidence is limited at this time, the clinical significance of this alteration remains unclear.

Illumina Laboratory Services, Illumina
Classification: Uncertain significance for Kallmann Syndrome 5. Last evaluated: 2018-01-13. Review status: criteria provided, single submitter. Criteria: ICSL Variant Classification Criteria 13 December 2019. Collection method: clinical testing. Allele origin: germline.